The following is an entry in ClinVar:

ClinVar aggregate classification (germline): Uncertain significance (1 of 4 stars; one submission).

Conditions:
Encephalopathy, lethal, due to defective mitochondrial peroxisomal fission 1. Also called: Lethal Encephalopathy Due To Defective Mitochondrial Peroxisomal Fission. Identifiers: Orphanet 330050, MedGen C3280660, MONDO:0013726, OMIM 614388.
Optic atrophy 5 (OPA5). Identifiers: Orphanet 98673, MedGen C1853139, MONDO:0012543, OMIM 610708.

Submission:

Juno Genomics, Hangzhou Juno Genomics, Inc
Classification: Uncertain significance for Encephalopathy, lethal, due to defective mitochondrial peroxisomal fission 1; Optic atrophy 5. Review status: criteria provided, single submitter. Criteria: ACMG Guidelines, 2015. Collection method: clinical testing. Allele origin: germline.
Comment: Absent from controls (or at extremely low frequency if recessive) in Genome Aggregation Database.;Missense variant in a gene that has a low rate of benign missense variation.;Located in a mutational hot spot and/or critical and well-established functional domain without benign variation.;Multiple lines of computational evidence support a deleterious effect on the gene or gene product.

NM_012062.5(DNM1L):c.41T>C (p.Val14Ala)

Gene: DNM1L (dynamin 1L; plus strand). Cytogenetic location: 12p11.21.
Variant type: single nucleotide variant.
Coding change: c.41T>C on transcript NM_012062.5 (MANE Select); coding-DNA position 41, T replaced by C.
Protein change: p.Val14Ala; replaces valine 14 with alanine.
Molecular consequence: missense variant. On other transcripts: 5 prime UTR variant (1).
Genome position (GRCh38, 1-based): chr12:32,679,404, T>C. VCF-style: chr12-32679404-T-C. GRCh37 (hg19) VCF-style: chr12-32832338-T-C.
Other names: c.41T>C, p.Val14Ala (NM_001278463.2, NM_001278464.2, NM_001278465.2 and 3 more transcripts); c.-165T>C (NM_001278466.2); short protein forms V14A.
Identifiers: ClinVar variation 5005094 (VCV005005094.2).
Genomic context (GRCh38, chr12:32,679,404, plus strand): 5'-GGCCCCGTGTTTTCAGAGTCATGGAGGCGCTAATTCCTGTCATAAACAAGCTCCAGGACG[T>C]CTTCAACACGGTGGGCGCCGACATCATCCAGCTGCCTCAAATCGTCGTAGTGGGAACGCA-3'
Protein context (NP_036192.2, residues 4-24): LIPVINKLQD[Val14Ala]FNTVGADIIQ